The following is an entry in ClinVar:

NM_001040108.2(MLH3):c.1755del (p.Glu586fs)

Gene: MLH3 (mutL homolog 3; minus strand). Cytogenetic location: 14q24.3.
Variant type: Deletion.
Coding change: c.1755del on transcript NM_001040108.2 (MANE Select); coding-DNA position 1755, one base deleted (A; older notation c.1755delA).
Protein change: p.Glu586fs; shifts the reading frame from glutamic acid 586.
Molecular consequence: frameshift variant.
Genome position (GRCh38, 1-based): chr14:75,047,901, T deleted on the plus strand (A on the coding strand, the reverse complement: MLH3 is on the minus strand); the first of 9 consecutive T bases (chr14:75,047,901-75,047,909); deleting any one gives the same sequence. VCF-style (leftmost placement, unchanged base first): chr14-75047900-CT-C. GRCh37 (hg19) VCF-style: chr14-75514603-CT-C.
Other names: c.1755del, p.Glu586fs (NM_014381.3); c.1755delA (NM_001040108.1, NM_001040108.2); short protein forms E586fs.
Identifiers: ClinVar variation 2561668 (VCV002561668.6), dbSNP rs751465048, ClinGen allele CA7275823.

ClinVar aggregate classification (germline): Pathogenic. Review status: criteria provided, multiple submitters, no conflicts (2 of 4 stars). 2 submissions from 2 submitters: Pathogenic (2). Last evaluated 2026-06-03.
ClinVar aggregate classification (oncogenicity): Likely oncogenic (1 of 4 stars; one submission).

Conditions:
Colorectal cancer, hereditary nonpolyposis, type 7. Identifiers: Orphanet 144, MedGen C1858380, MONDO:0013725, OMIM 614385.
Neoplasm. Also called: tumor; Neoplasms; Neoplasm (disease). Identifiers: MedGen C0027651, MeSH D009369, MONDO:0005070, HP:0002664.

Submissions (3):

Ambry Genetics
Classification: Pathogenic. Last evaluated: 2026-06-03. Review status: criteria provided, single submitter. Criteria: Ambry Variant Classification Scheme 2023. Collection method: clinical testing. Allele origin: germline.
Comment: The c.1755delA pathogenic mutation, located in coding exon 1 of the MLH3 gene, results from a deletion of one nucleotide at nucleotide position 1755, causing a translational frameshift with a predicted alternate stop codon (p.E586Nfs*24). This variant is considered to be rare based on population cohorts in the Genome Aggregation Database (gnomAD). This alteration is expected to result in loss of function by premature protein truncation or nonsense-mediated mRNA decay. As such, this alteration is interpreted as a disease-causing mutation.

Myriad Genetics, Inc.
Classification: Pathogenic for Colorectal cancer, hereditary nonpolyposis, type 7. Last evaluated: 2025-12-04. Review status: criteria provided, single submitter. Criteria: Myriad Autosomal Dominant, Autosomal Recessive and X-Linked Classification Criteria (2023). Collection method: clinical testing. Allele origin: unknown.
Comment: This variant is considered pathogenic. This variant creates a frameshift predicted to result in premature protein truncation.

Center for Genomic Medicine, Rigshospitalet, Copenhagen University Hospital
Classification: Likely oncogenic for Neoplasm. Last evaluated: 2025-03-04. Review status: criteria provided, single submitter. Criteria: ClinGen/CGC/VICC Guidelines for Oncogenicity, 2022. Collection method: clinical testing. Allele origin: somatic. Affected: yes.

Literature cited by the submitters: PubMed 37901334 (cited by Center for Genomic Medicine, Rigshospitalet, Copenhagen University Hospital).